The following is an entry in ClinVar:

ClinVar aggregate classification (germline): Uncertain significance (1 of 4 stars; one submission).

Conditions:
Progressive myoclonic epilepsy. Also called: Familial progressive myoclonic epilepsy; Myoclonic Epilepsies, Progressive; Myoclonus epilepsy; Progressive myoclonus epilepsy. Identifiers: Orphanet 308, Orphanet 98261, MedGen C0751778, MONDO:0020074.

Submission:

Labcorp Genetics (formerly Invitae), Labcorp
Classification: Uncertain significance for Progressive myoclonic epilepsy. Last evaluated: 2020-05-06. Review status: criteria provided, single submitter. Criteria: Invitae Variant Classification Sherloc (09022015). Collection method: clinical testing. Allele origin: germline.
Comment: This variant has not been reported in the literature in individuals with SCARB2-related conditions. This variant is not present in population databases (ExAC no frequency). This sequence change replaces aspartic acid with glycine at codon 238 of the SCARB2 protein (p.Asp238Gly). The aspartic acid residue is moderately conserved and there is a moderate physicochemical difference between aspartic acid and glycine. Algorithms developed to predict the effect of missense changes on protein structure and function (SIFT, PolyPhen-2, Align-GVGD) all suggest that this variant is likely to be tolerated, but these predictions have not been confirmed by published functional studies and their clinical significance is uncertain. In summary, the available evidence is currently insufficient to determine the role of this variant in disease. Therefore, it has been classified as a Variant of Uncertain Significance.

NM_005506.4(SCARB2):c.713A>G (p.Asp238Gly)

Gene: SCARB2 (scavenger receptor class B member 2; minus strand). Cytogenetic location: 4q21.1.
Variant type: single nucleotide variant.
Coding change: c.713A>G on transcript NM_005506.4 (MANE Select); coding-DNA position 713, A replaced by G.
Protein change: p.Asp238Gly; replaces aspartic acid 238 with glycine.
Molecular consequence: missense variant.
Genome position (GRCh38, 1-based): chr4:76,175,902, T>C on the plus strand (A>G on the coding strand, the complement: SCARB2 is on the minus strand). VCF-style: chr4-76175902-T-C. GRCh37 (hg19) VCF-style: chr4-77097055-T-C.
Other names: c.284A>G, p.Asp95Gly (NM_001204255.2); short protein forms D238G, D95G.
Identifiers: ClinVar variation 1002717 (VCV001002717.8), dbSNP rs1732242578, ClinGen allele CA357316397.